The following is an entry in ClinVar:

NM_000834.5(GRIN2B):c.-392G>T

Gene: GRIN2B (glutamate ionotropic receptor NMDA type subunit 2B; minus strand). Cytogenetic location: 12p13.1.
Variant type: single nucleotide variant.
Coding change: c.-392G>T on transcript NM_000834.5 (MANE Select); 392 bases upstream of the start codon, G replaced by T.
Molecular consequence: 5 prime UTR variant. On other transcripts: intron variant (1).
Genome position (GRCh38, 1-based): chr12:13,980,301, C>A on the plus strand (G>T on the coding strand, the complement: GRIN2B is on the minus strand). VCF-style: chr12-13980301-C-A. GRCh37 (hg19) VCF-style: chr12-14133235-C-A.
Other names: c.-392G>T (NM_001413992.1, NM_001413994.1, NM_001413995.1); c.-19+1041G>T (NM_001413993.1).
Identifiers: ClinVar variation 4874266 (VCV004874266.2).

ClinVar aggregate classification (germline): Likely benign (1 of 4 stars; one submission).

Submission:

CeGaT Center for Human Genetics Tuebingen
Classification: Likely benign. Last evaluated: 2026-04-01. Review status: criteria provided, single submitter. Criteria: CeGaT Center For Human Genetics Tuebingen Variant Classification Criteria Version 2. Collection method: clinical testing. Allele origin: germline. Affected: yes. Observed: 1 variant allele.
Comment: ENSG00000293563: BS2